The following is an entry in ClinVar:

ClinVar aggregate classification (germline): Benign/Likely benign. Review status: criteria provided, multiple submitters, no conflicts (2 of 4 stars). 27 submissions from 20 submitters: Benign (16); Likely benign (7). 4 of the submissions do not count toward it. Last evaluated 2026-03-27.

Conditions:
Cardiovascular phenotype. Identifiers: MedGen CN230736.
Autosomal recessive limb-girdle muscular dystrophy type 2J (LGMDR10). Also called: Limb-girdle muscular dystrophy, type 2J; MUSCULAR DYSTROPHY, LIMB-GIRDLE, AUTOSOMAL RECESSIVE 10. Identifiers: Orphanet 140922, MedGen C1837342, MONDO:0012127, OMIM 608807.
Dilated cardiomyopathy 1G (CMD1G). Identifiers: Orphanet 154, MedGen C1858763, MONDO:0011400, OMIM 604145.
Myopathy, myofibrillar, 9, with early respiratory failure (MFM9). Also called: EDSTROM MYOPATHY; Hereditary myopathy with early respiratory failure; MYOPATHY, PROXIMAL, WITH EARLY RESPIRATORY MUSCLE INVOLVEMENT; Myopathy, distal, with early respiratory failure, autosomal dominant. Identifiers: Orphanet 178464, Orphanet 34521, MedGen C1863599, MONDO:0011362, OMIM 603689.
Early-onset myopathy with fatal cardiomyopathy (CMYO5). Also called: Salih Myopathy; CONGENITAL MYOPATHY 5 WITH CARDIOMYOPATHY. Identifiers: Orphanet 289377, MedGen C2673677, MONDO:0012714, OMIM 611705. Disease mechanism: loss of function.
Tibial muscular dystrophy (TMD). Also called: Udd Distal Myopathy – Tibial Muscular Dystrophy; Tibial muscular dystrophy, tardive; UDD MYOPATHY. Identifiers: Orphanet 609, MedGen C1838244, MONDO:0010870, OMIM 600334.

Allele frequency attached by ClinVar (database versions not stated): 1000 Genomes Project 30x 0.00515; TOPMed 0.01340; gnomAD exomes 0.01249 and 0.01922; gnomAD 0.01260 and 0.01280; ESP Exome Variant Server 0.01597; 1000 Genomes Project 0.00479; ExAC 0.01277.
gnomAD v4.1: 29,937 of 1,613,248 alleles (1.9%); highest among the groups gnomAD compares: Non-Finnish European, 2.2%; 315 homozygotes.

Submissions 1 to 21 of 32:

Molecular Diagnostic Laboratory for Inherited Cardiovascular Disease, Montreal Heart Institute
Classification: Likely benign. Last evaluated: 2026-03-27. Review status: criteria provided, single submitter. Criteria: ACMG Guidelines, 2015. Collection method: clinical testing. Allele origin: germline. Affected: no.
Comment: BS1

Labcorp Genetics (formerly Invitae), Labcorp
Classification: Benign for Dilated cardiomyopathy 1G; Autosomal recessive limb-girdle muscular dystrophy type 2J. Last evaluated: 2026-02-04. Review status: criteria provided, single submitter. Criteria: Invitae Variant Classification Sherloc (09022015). Collection method: clinical testing. Allele origin: germline.

ARUP Laboratories, Molecular Genetics and Genomics, ARUP Laboratories
Classification: Benign. Last evaluated: 2025-04-22. Review status: criteria provided, single submitter. Criteria: ARUP Molecular Germline Variant Investigation Process 2024. Collection method: clinical testing. Allele origin: germline.

Blueprint Genetics
Classification: Likely benign. Last evaluated: 2024-11-26. Review status: criteria provided, single submitter. Criteria: ACMG Guidelines, 2015. Collection method: clinical testing. Allele origin: germline.

Athena Diagnostics
Classification: Benign. Last evaluated: 2024-05-07. Review status: criteria provided, single submitter. Criteria: Athena Diagnostics Criteria. Collection method: clinical testing. Allele origin: unknown.

Women's Health and Genetics/Laboratory Corporation of America, LabCorp
Classification: Likely benign. Last evaluated: 2024-03-03. Review status: criteria provided, single submitter. Criteria: LabCorp Variant Classification Summary - May 2015. Collection method: clinical testing. Allele origin: germline.

Genetic Services Laboratory, University of Chicago
Classification: Benign. Last evaluated: 2021-12-14. Review status: criteria provided, single submitter. Criteria: ACMG Guidelines, 2015. Collection method: clinical testing. Allele origin: germline. Affected: no.

Genome-Nilou Lab
Classification: Benign for Autosomal recessive limb-girdle muscular dystrophy type 2J. Last evaluated: 2021-09-10. Review status: criteria provided, single submitter. Criteria: ACMG Guidelines, 2015. Collection method: clinical testing. Allele origin: germline. Affected: no.

Genome-Nilou Lab
Classification: Benign for Myopathy, myofibrillar, 9, with early respiratory failure. Last evaluated: 2021-09-10. Review status: criteria provided, single submitter. Criteria: ACMG Guidelines, 2015. Collection method: clinical testing. Allele origin: germline. Affected: no.

Genome-Nilou Lab
Classification: Benign for Early-onset myopathy with fatal cardiomyopathy. Last evaluated: 2021-09-10. Review status: criteria provided, single submitter. Criteria: ACMG Guidelines, 2015. Collection method: clinical testing. Allele origin: germline. Affected: no.

Genome-Nilou Lab
Classification: Benign for Tibial muscular dystrophy. Last evaluated: 2021-09-10. Review status: criteria provided, single submitter. Criteria: ACMG Guidelines, 2015. Collection method: clinical testing. Allele origin: germline. Affected: no.

Illumina Laboratory Services, Illumina
Classification: Likely benign for Early-onset myopathy with fatal cardiomyopathy. Last evaluated: 2018-01-12. Review status: criteria provided, single submitter. Criteria: ICSL Variant Classification Criteria 13 December 2019. Collection method: clinical testing. Allele origin: germline.
Comment: This variant was observed in the ICSL laboratory as part of a predisposition screen in an ostensibly healthy population. It had not been previously curated by ICSL or reported in the Human Gene Mutation Database (HGMD: prior to June 1st, 2018), and was therefore a candidate for classification through an automated scoring system. Utilizing variant allele frequency, disease prevalence and penetrance estimates, and inheritance mode, an automated score was calculated to assess if this variant is too frequent to cause the disease. Based on the score and internal cut-off values, a variant classified as likely benign is not then subjected to further curation. The score for this variant resulted in a classification of likely benign for this disease.

Illumina Laboratory Services, Illumina
Classification: Benign for Myopathy, myofibrillar, 9, with early respiratory failure. Last evaluated: 2018-01-12. Review status: criteria provided, single submitter. Criteria: ICSL Variant Classification Criteria 13 December 2019. Collection method: clinical testing. Allele origin: germline.
Comment: This variant was observed in the ICSL laboratory as part of a predisposition screen in an ostensibly healthy population. It had not been previously curated by ICSL or reported in the Human Gene Mutation Database (HGMD: prior to June 1st, 2018), and was therefore a candidate for classification through an automated scoring system. Utilizing variant allele frequency, disease prevalence and penetrance estimates, and inheritance mode, an automated score was calculated to assess if this variant is too frequent to cause the disease. Based on the score and internal cut-off values, a variant classified as benign is not then subjected to further curation. The score for this variant resulted in a classification of benign for this disease.

Illumina Laboratory Services, Illumina
Classification: Likely benign for Dilated cardiomyopathy 1G. Last evaluated: 2018-01-12. Review status: criteria provided, single submitter. Criteria: ICSL Variant Classification Criteria 13 December 2019. Collection method: clinical testing. Allele origin: germline.
Comment: the same text as in the submission from Illumina Laboratory Services, Illumina above.

Illumina Laboratory Services, Illumina
Classification: Benign for Tibial muscular dystrophy. Last evaluated: 2018-01-12. Review status: criteria provided, single submitter. Criteria: ICSL Variant Classification Criteria 13 December 2019. Collection method: clinical testing. Allele origin: germline.
Comment: the same text as in the submission from Illumina Laboratory Services, Illumina above.

Illumina Laboratory Services, Illumina
Classification: Likely benign for Autosomal recessive limb-girdle muscular dystrophy type 2J. Last evaluated: 2018-01-12. Review status: criteria provided, single submitter. Criteria: ICSL Variant Classification Criteria 13 December 2019. Collection method: clinical testing. Allele origin: germline.
Comment: the same text as in the submission from Illumina Laboratory Services, Illumina above.

Mayo Clinic Laboratories, Mayo Clinic
Classification: Benign. Last evaluated: 2018-01-12. Review status: criteria provided, single submitter. Criteria: ACMG Guidelines, 2015. Collection method: clinical testing. Allele origin: germline. Observed: 83 variant alleles.

GeneDx
Classification: Benign. Last evaluated: 2013-10-03. Review status: criteria provided, single submitter. Criteria: GeneDx Variant Classification (06012015). Collection method: clinical testing. Allele origin: germline. Affected: yes.
Comment: This variant is considered likely benign or benign based on one or more of the following criteria: it is a conservative change, it occurs at a poorly conserved position in the protein, it is predicted to be benign by multiple in silico algorithms, and/or has population frequency not consistent with disease.

Biesecker Lab/Clinical Genomics Section, National Institutes of Health
Classification: Benign. Last evaluated: 2013-06-24. Review status: criteria provided, single submitter. Criteria: Ng et al. (Circ Cardiovasc Genet. 2013). Collection method: research. Allele origin: unknown. Observed: 18 variant alleles. Study: ClinSeq.
Comment: The study set was not selected for affection status in relation to any cancer. Pathogenicity categories were based on literature curation. See Pubmed ID:23861362 for details.

Medical sequencing

Ambry Genetics
Classification: Benign for Cardiovascular phenotype. Last evaluated: 2013-01-16. Review status: criteria provided, single submitter. Criteria: Ambry Autosomal Dominant and X-Linked criteria (10/2015). Collection method: clinical testing. Allele origin: germline. Observed: 1 variant allele.

Laboratory for Molecular Medicine, Mass General Brigham Personalized Medicine
Classification: Benign. Last evaluated: 2012-03-14. Review status: criteria provided, single submitter. Criteria: LMM Criteria. Collection method: clinical testing. Allele origin: germline. Observed: 53 variant alleles.
Comment: Arg30797Gln in exon 305 of TTN: This variant is not expected to have clinical si gnificance because it has been identified in 2.1% (143/6658) of European America n chromosomes from a broad population by the NHLBI Exome Sequencing Project (dbSNP rs55742743).

NM_001267550.2(TTN):c.100094G>A (p.Arg33365Gln)

Genes: TTN (titin; minus strand), TTN-AS1 (TTN antisense RNA 1; plus strand), LOC126806420 (BRD4-independent group 4 enhancer GRCh37_chr2:179401104-179402303; plus strand). Cytogenetic location: 2q31.2.
Variant type: single nucleotide variant.
Coding change: c.100094G>A on transcript NM_001267550.2 (MANE Select); coding-DNA position 100094, G replaced by A.
Protein change: p.Arg33365Gln; replaces arginine 33365 with glutamine.
Molecular consequence: missense variant.
Genome position (GRCh38, 1-based): chr2:178,537,015, C>T on the plus strand (G>A on the coding strand, the complement: TTN is on the minus strand). VCF-style: chr2-178537015-C-T. GRCh37 (hg19) VCF-style: chr2-179401742-C-T.
Other names: p.R31724Q:CGG>CAG; c.95171G>A, p.Arg31724Gln (NM_001256850.1); c.92390G>A, p.Arg30797Gln (NM_133378.4); c.72899G>A, p.Arg24300Gln (NM_003319.4); c.73274G>A, p.Arg24425Gln (NM_133432.3); c.73475G>A, p.Arg24492Gln (NM_133437.4); short protein forms R33365Q, R30797Q, R31724Q, R24425Q, R24300Q, R24492Q.
Identifiers: ClinVar variation 47624 (VCV000047624.56), dbSNP rs55742743, ClinGen allele CA284211.